The following is an entry in ClinVar:

NM_020320.5(RARS2):c.5C>T (p.Ala2Val)

Gene: RARS2 (arginyl-tRNA synthetase 2, mitochondrial; minus strand). Cytogenetic location: 6q15.
Variant type: single nucleotide variant.
Coding change: c.5C>T on transcript NM_020320.5 (MANE Select); coding-DNA position 5, C replaced by T.
Protein change: p.Ala2Val; replaces alanine 2 with valine.
Molecular consequence: missense variant. On other transcripts: non-coding transcript variant (23), 5 prime UTR variant (7).
Genome position (GRCh38, 1-based): chr6:87,589,953, G>A on the plus strand (C>T on the coding strand, the complement: RARS2 is on the minus strand). VCF-style: chr6-87589953-G-A. GRCh37 (hg19) VCF-style: chr6-88299671-G-A.
Other names: c.-686C>T (NM_001318785.2); c.5C>T, p.Ala2Val (NM_001350505.2); c.-742C>T (NM_001350506.2, NM_001350510.2); c.-865C>T (NM_001350507.2); c.-904C>T (NM_001350508.2); c.-612C>T (NM_001350509.2); c.-861C>T (NM_001350511.2); short protein forms A2V.
Identifiers: ClinVar variation 869401 (VCV000869401.4), dbSNP rs760114539, ClinGen allele CA3916857.

ClinVar aggregate classification (germline): Uncertain significance. Review status: criteria provided, multiple submitters, no conflicts (2 of 4 stars). 3 submissions from 3 submitters: Uncertain significance (3). Last evaluated 2025-02-10.

Conditions:
Pontocerebellar hypoplasia type 6 (PCH6). Identifiers: Orphanet 166073, MedGen C1969084, MONDO:0012683, OMIM 611523.

Allele frequency attached by ClinVar (database versions not stated): gnomAD exomes 0.00003; ExAC 0.00004; gnomAD 0.00004; TOPMed 0.00005.
gnomAD v4.1: 67 of 1,614,102 alleles (0.0042%); highest among the groups gnomAD compares: African/African-American, 0.008%; no homozygotes.

Submissions (3):

Women's Health and Genetics/Laboratory Corporation of America, LabCorp
Classification: Uncertain significance. Last evaluated: 2025-02-10. Review status: criteria provided, single submitter. Criteria: LabCorp Variant Classification Summary - May 2015. Collection method: clinical testing. Allele origin: germline.
Comment: Variant summary: RARS2 c.5C>T (p.Ala2Val) results in a non-conservative amino acid change in the encoded protein sequence. Three of five in-silico tools predict a benign effect of the variant on protein function. The variant allele was found at a frequency of 3.2e-05 in 250840 control chromosomes (gnomAD. The available data on variant occurrences in the general population are insufficient to allow any conclusion about variant significance. c.5C>T has been reported in the literature in at least an individual affected with pontocerebellar hypoplasia where it was seen in trans with a pathogenic variant (Riley_2020). To our knowledge, no experimental evidence demonstrating an impact on protein function has been reported. The following publication have been ascertained in the context of this evaluation (PMID: 32313153). ClinVar contains an entry for this variant (Variation ID: 869401). Based on the evidence outlined above, the variant was classified as uncertain significance.

GeneDx
Classification: Uncertain significance. Last evaluated: 2022-03-23. Review status: criteria provided, single submitter. Criteria: GeneDx Variant Classification Process June 2021. Collection method: clinical testing. Allele origin: germline. Affected: yes.
Comment: Not observed at significant frequency in large population cohorts (gnomAD); In silico analysis supports that this missense variant does not alter protein structure/function; This variant is associated with the following publications: (PMID: 32313153, 32571458)

Kids Research, The Children's Hospital at Westmead
Classification: Uncertain significance for Pontocerebellar hypoplasia type 6. Review status: criteria provided, single submitter. Criteria: ACMG Guidelines, 2015. Collection method: research. Allele origin: inherited. Inheritance: Autosomal recessive inheritance. Affected: yes.

Literature cited by the submitters: PubMed 32313153 (cited by Women's Health and Genetics/Laboratory Corporation of America, LabCorp and Kids Research, The Children's Hospital at Westmead).